The following is an entry in ClinVar:

NM_177438.3(DICER1):c.3788G>A (p.Gly1263Asp)

Gene: DICER1 (dicer 1, ribonuclease III; minus strand). Cytogenetic location: 14q32.13.
Variant type: single nucleotide variant.
Coding change: c.3788G>A on transcript NM_177438.3 (MANE Select); coding-DNA position 3788, G replaced by A.
Protein change: p.Gly1263Asp; replaces glycine 1263 with aspartic acid.
Molecular consequence: missense variant.
Genome position (GRCh38, 1-based): chr14:95,103,608, C>T on the plus strand (G>A on the coding strand, the complement: DICER1 is on the minus strand). VCF-style: chr14-95103608-C-T. GRCh37 (hg19) VCF-style: chr14-95569945-C-T.
Other names: c.3788G>A, p.Gly1263Asp (NM_001195573.1, NM_001271282.3, NM_001291628.2 and 1 more transcripts); short protein forms G1263D.
Identifiers: ClinVar variation 1465715 (VCV001465715.12), dbSNP rs771990285, ClinGen allele CA265905966.
Genomic context (GRCh38, chr14:95,103,608, plus strand): 5'-ATAGAAGGGCTCTGCTCAGAATCCATCCTGCCCTTGAGCACTTGAATAGTGTCTGTCGTA[C>T]CAGGCATTACGGCCATCACAGGACTTCCATCTGAGGTAGATTTGTTAGCATTTCCATCAA-3'
Protein context (NP_803187.1, residues 1253-1273): DGSPVMAVMP[Gly1263Asp]TTDTIQVLKG

ClinVar aggregate classification (germline): Uncertain significance. Review status: criteria provided, multiple submitters, no conflicts (2 of 4 stars). 3 submissions from 3 submitters: Uncertain significance (3). Last evaluated 2025-09-04.

Conditions:
DICER1-related tumor predisposition. Also called: DICER1-related pleuropulmonary blastoma cancer predisposition syndrome; DICER1 syndrome. Identifiers: Orphanet 284343, MedGen C3839822, MONDO:0100216.
Hereditary cancer-predisposing syndrome. Also called: Neoplastic Syndromes, Hereditary; Hereditary Cancer Syndrome; Tumor predisposition; Hereditary neoplastic syndrome. Identifiers: Orphanet 140162, MedGen C0027672, MeSH D009386, MONDO:0015356.

Allele frequency attached by ClinVar (database versions not stated): TOPMed below 0.00001; gnomAD 0.00001.
gnomAD v4.1: 2 of 1,614,058 alleles (0.00012%); highest among the groups gnomAD compares: African/African-American, 0.0027%; no homozygotes.

Submissions (3):

Labcorp Genetics (formerly Invitae), Labcorp
Classification: Uncertain significance for DICER1-related tumor predisposition. Last evaluated: 2025-09-04. Review status: criteria provided, single submitter. Criteria: Invitae Variant Classification Sherloc (09022015). Collection method: clinical testing. Allele origin: germline.
Comment: This sequence change replaces glycine, which is neutral and non-polar, with aspartic acid, which is acidic and polar, at codon 1263 of the DICER1 protein (p.Gly1263Asp). This variant is present in population databases (no rsID available, gnomAD 0.01%). This variant has not been reported in the literature in individuals affected with DICER1-related conditions. ClinVar contains an entry for this variant (Variation ID: 1465715). Invitae Evidence Modeling of protein sequence and biophysical properties (such as structural, functional, and spatial information, amino acid conservation, physicochemical variation, residue mobility, and thermodynamic stability) indicates that this missense variant is not expected to disrupt DICER1 protein function with a negative predictive value of 95%. In summary, the available evidence is currently insufficient to determine the role of this variant in disease. Therefore, it has been classified as a Variant of Uncertain Significance.

Ambry Genetics
Classification: Uncertain significance for Hereditary cancer-predisposing syndrome. Last evaluated: 2025-01-22. Review status: criteria provided, single submitter. Criteria: Ambry Variant Classification Scheme 2023. Collection method: clinical testing. Allele origin: germline.
Comment: The p.G1263D variant (also known as c.3788G>A), located in coding exon 20 of the DICER1 gene, results from a G to A substitution at nucleotide position 3788. The glycine at codon 1263 is replaced by aspartic acid, an amino acid with similar properties. This amino acid position is not well conserved in available vertebrate species. In addition, this alteration is predicted to be tolerated by in silico analysis. Based on the available evidence, the clinical significance of this variant remains unclear.

Sema4
Classification: Uncertain significance for Hereditary cancer-predisposing syndrome. Last evaluated: 2021-05-30. Review status: criteria provided, single submitter. Criteria: Sema4 Curation Guidelines. Collection method: curation. Allele origin: germline.
Comment: The DICER1 c.3788G>A (p.G1263D) variant has not been reported in the literature to our knowledge. It was observed in 1/8706 chromosomes of the African subpopulation in the large and broad cohorts of the Genome Aggregation Database (PMID: 32461654). The variant has not been reported in ClinVar. In silico tools suggest the impact of the variant on protein function is benign, though these predictions have not been confirmed by functional studies. The evidence is insufficient to meet ACMG/AMP criteria for classifying the variant as benign or pathogenic. Thus, the clinical significance of this variant is currently uncertain.